The following is an entry in ClinVar:

NM_004036.5(ADCY3):c.274G>A (p.Val92Met)

Gene: ADCY3 (adenylate cyclase 3; minus strand). Cytogenetic location: 2p23.3.
Variant type: single nucleotide variant.
Coding change: c.274G>A on transcript NM_004036.5 (MANE Select); coding-DNA position 274, G replaced by A.
Protein change: p.Val92Met; replaces valine 92 with methionine.
Molecular consequence: missense variant.
Genome position (GRCh38, 1-based): chr2:24,918,714, C>T on the plus strand (G>A on the coding strand, the complement: ADCY3 is on the minus strand). VCF-style: chr2-24918714-C-T. GRCh37 (hg19) VCF-style: chr2-25141583-C-T.
Other names: c.274G>A, p.Val92Met (NM_001320613.2, NM_001377128.1, NM_001377129.1 and 2 more transcripts); short protein forms V92M.
Identifiers: ClinVar variation 4982650 (VCV004982650.1).

ClinVar aggregate classification (germline): Uncertain significance (1 of 4 stars; one submission).

Conditions:
ADCY3-related disorder. Also called: ADCY3-related condition.

gnomAD v4.1: 6 of 1,613,982 alleles (0.00037%); highest among the groups gnomAD compares: African/African-American, 0.0027%; no homozygotes.

Submission:

PreventionGenetics, part of Exact Sciences
Classification: Uncertain significance for ADCY3-related condition. Last evaluated: 2025-07-31. Review status: criteria provided, single submitter. Criteria: ACMG Guidelines, 2015. Collection method: clinical testing. Allele origin: germline.
Comment: The ADCY3 c.274G>A variant is predicted to result in the amino acid substitution p.Val92Met. To our knowledge, this variant has not been reported in the literature. This variant is reported in 0.0040% of alleles in individuals of African descent in gnomAD. At this time, the clinical significance of this variant is uncertain due to the absence of conclusive functional and genetic evidence.